The following is an entry in ClinVar:

NM_001365951.3(KIF1B):c.2473G>A (p.Val825Ile)

Gene: KIF1B (kinesin family member 1B; plus strand). Cytogenetic location: 1p36.22.
Variant type: single nucleotide variant.
Coding change: c.2473G>A on transcript NM_001365951.3 (MANE Select); coding-DNA position 2473, G replaced by A.
Protein change: p.Val825Ile; replaces valine 825 with isoleucine.
Molecular consequence: missense variant.
Genome position (GRCh38, 1-based): chr1:10,323,998, G>A. VCF-style: chr1-10323998-G-A. GRCh37 (hg19) VCF-style: chr1-10384056-G-A.
Other names: c.2473G>A, p.Val825Ile (NM_001365952.1); c.2335G>A, p.Val779Ile (NM_015074.3); short protein forms V779I, V825I.
Identifiers: ClinVar variation 5023229 (VCV005023229.1).

ClinVar aggregate classification (germline): Uncertain significance (1 of 4 stars; one submission).

gnomAD v4.1: 1 of 1,614,178 alleles (0.000062%); no homozygotes.

Submission:

Ambry Genetics
Classification: Uncertain significance. Last evaluated: 2026-08-31. Review status: criteria provided, single submitter. Criteria: Ambry Variant Classification Scheme 2023. Collection method: clinical testing. Allele origin: germline.
Comment: The p.V779I variant (also known as c.2335G>A), located in coding exon 22 of the KIF1B gene, results from a G to A substitution at nucleotide position 2335. The valine at codon 779 is replaced by isoleucine, an amino acid with highly similar properties. This amino acid position is conserved. In addition, the in silico prediction for this alteration is inconclusive. Based on the available evidence, the clinical significance of this variant remains unclear.